The following is an entry in ClinVar:

ClinVar aggregate classification (germline): Likely benign. Review status: criteria provided, single submitter (1 of 4 stars). 2 submissions from 2 submitters: Likely benign (1). 1 of the submissions does not count toward it. Last evaluated 2018-05-24.

Conditions:
AGO1-related disorder. Also called: AGO1-related condition.

Allele frequency attached by ClinVar (database versions not stated): gnomAD 0.00004 and 0.00003; ExAC 0.00005; TOPMed 0.00005; gnomAD exomes 0.00006; ESP Exome Variant Server 0.00008; 1000 Genomes Project 0.00040; 1000 Genomes Project 30x 0.00031.
gnomAD v4.1: 45 of 1,613,952 alleles (0.0028%); highest among the groups gnomAD compares: Middle Eastern, 0.033%; no homozygotes.

Submissions (3):

Labcorp Genetics (formerly Invitae), Labcorp
Classification: Likely benign. Last evaluated: 2018-05-24. Review status: criteria provided, single submitter. Criteria: Invitae Variant Classification Sherloc (09022015). Collection method: clinical testing. Allele origin: germline.

PreventionGenetics, part of Exact Sciences
Classification: Likely benign for AGO1-related condition. Last evaluated: 2019-04-25. Review status: no assertion criteria provided. Collection method: clinical testing. Allele origin: germline. Not counted in ClinVar's aggregate classification.
Comment: This variant is classified as likely benign based on ACMG/AMP sequence variant interpretation guidelines (Richards et al. 2015 PMID: 25741868, with internal and published modifications).

Dr. Peter K. Rogan Lab, Western University
No classification provided (evidence only). Condition: Thyroid cancer, nonmedullary, 1. Review status: no classification provided. Collection method: in vitro. Allele origin: not applicable. Functional consequence: retained intron. Not counted in ClinVar's aggregate classification.

NM_012199.5(AGO1):c.33C>T (p.Gly11=)

Gene: AGO1 (argonaute RISC component 1; plus strand). Cytogenetic location: 1p34.3.
Variant type: single nucleotide variant.
Coding change: c.33C>T on transcript NM_012199.5 (MANE Select); coding-DNA position 33, C replaced by T.
Protein change: p.Gly11=; no amino-acid change (glycine 11 retained).
Molecular consequence: synonymous variant. On other transcripts: 5 prime UTR variant (1).
Genome position (GRCh38, 1-based): chr1:35,888,434, C>T. VCF-style: chr1-35888434-C-T. GRCh37 (hg19) VCF-style: chr1-36354035-C-T.
Other names: NC_000001.10:g.36354035C>T; c.33C>T, p.Gly11= (NM_001317122.2); c.-193C>T (NM_001317123.2).
Identifiers: ClinVar variation 744858 (VCV000744858.6), dbSNP rs140869088, ClinGen allele CA762933.